The following is an entry in ClinVar:

NM_007294.4(BRCA1):c.4185+3A>G

Gene: BRCA1 (BRCA1 DNA repair associated; minus strand). Cytogenetic location: 17q21.31.
Variant type: single nucleotide variant.
Coding change: c.4185+3A>G on transcript NM_007294.4 (MANE Select); 3 bases into the intron after coding-DNA position 4185, A replaced by G.
Molecular consequence: intron variant.
Genome position (GRCh38, 1-based): chr17:43,090,941, T>C on the plus strand (A>G on the coding strand, the complement: BRCA1 is on the minus strand). VCF-style: chr17-43090941-T-C. GRCh37 (hg19) VCF-style: chr17-41242958-T-C.
Other names: c.4185+3A>G (NM_001407858.1, NM_001407616.1, NM_007300.4 and 30 more transcripts); c.3681+3A>G (NM_001407965.1); c.3918+3A>G (NM_001407930.1, NM_001407931.1, NM_001407932.1 and 2 more transcripts); c.4041+3A>G (NM_001407843.1, NM_001407847.1, NM_001407740.1 and 20 more transcripts); c.735+3A>G (NM_001408456.1, NM_001408410.1, NM_001408458.1 and 11 more transcripts); c.4044+3A>G (NM_001407733.1, NM_001407942.1, NM_001407694.1 and 29 more transcripts); c.732+3A>G (NM_001408465.1, NM_001408463.1, NM_001408462.1 and 3 more transcripts); c.666+3A>G (NM_001408482.1, NM_001408484.1, NM_001408478.1 and 9 more transcripts); and 41 more.
Identifiers: ClinVar variation 55130 (VCV000055130.3), dbSNP rs397509148, ClinGen allele CA002690.

ClinVar aggregate classification (germline): Uncertain significance (1 of 4 stars; one submission).

Submission:

GeneDx
Classification: Uncertain significance. Last evaluated: 2014-10-03. Review status: criteria provided, single submitter. Criteria: GeneDx Variant Classification (06012015). Collection method: clinical testing. Allele origin: germline. Affected: yes.
Comment: This variant is denoted BRCA1 c.4185+3 A>G or IVS11+3 A>G and consists of an A>G nucleotide substitution at the +3 position of intron 11 of the BRCA1 gene. Multiple in silico models predict this variant to damage the nearby natural donor site, and to possibly cause abnormal gene splicing. Based on currently available information, it is unclear whether BRCA1 c.4185+3 A>G is pathogenic or benign. We consider it to be a variant of uncertain significance.